The following is an entry in ClinVar:

NM_002582.4(PARN):c.881T>C (p.Met294Thr)

Gene: PARN (poly(A)-specific ribonuclease; minus strand). Cytogenetic location: 16p13.12.
Variant type: single nucleotide variant.
Coding change: c.881T>C on transcript NM_002582.4 (MANE Select); coding-DNA position 881, T replaced by C.
Protein change: p.Met294Thr; replaces methionine 294 with threonine.
Molecular consequence: missense variant.
Genome position (GRCh38, 1-based): chr16:14,593,338, A>G on the plus strand (T>C on the coding strand, the complement: PARN is on the minus strand). VCF-style: chr16-14593338-A-G. GRCh37 (hg19) VCF-style: chr16-14687195-A-G.
Other names: c.698T>C, p.Met233Thr (NM_001134477.3); c.743T>C, p.Met248Thr (NM_001242992.2); short protein forms M248T, M294T, M233T.
Identifiers: ClinVar variation 4791591 (VCV004791591.1).

ClinVar aggregate classification (germline): Uncertain significance (1 of 4 stars; one submission).

Conditions:
Pulmonary fibrosis and/or bone marrow failure, Telomere-related, 4. Also called: PULMONARY FIBROSIS AND/OR BONE MARROW FAILURE SYNDROME, TELOMERE-RELATED, 4. Identifiers: Orphanet 2032, MedGen C4225347, MONDO:0014612, OMIM 616371.
Dyskeratosis congenita, autosomal recessive 6 (DKCB6). Identifiers: MedGen C4225356, MONDO:0014600, OMIM 616353.

Submission:

Labcorp Genetics (formerly Invitae), Labcorp
Classification: Uncertain significance for Dyskeratosis congenita, autosomal recessive 6; Pulmonary fibrosis and/or bone marrow failure, Telomere-related, 4. Last evaluated: 2025-02-09. Review status: criteria provided, single submitter. Criteria: Invitae Variant Classification Sherloc (09022015). Collection method: clinical testing. Allele origin: germline.
Comment: This sequence change replaces methionine, which is neutral and non-polar, with threonine, which is neutral and polar, at codon 294 of the PARN protein (p.Met294Thr). This variant is not present in population databases (gnomAD no frequency). This variant has not been reported in the literature in individuals affected with PARN-related conditions. Invitae Evidence Modeling of protein sequence and biophysical properties (such as structural, functional, and spatial information, amino acid conservation, physicochemical variation, residue mobility, and thermodynamic stability) indicates that this missense variant is not expected to disrupt PARN protein function with a negative predictive value of 80%. In summary, the available evidence is currently insufficient to determine the role of this variant in disease. Therefore, it has been classified as a Variant of Uncertain Significance.